The following is an entry in ClinVar:

ClinVar aggregate classification (germline): Uncertain significance. Review status: criteria provided, multiple submitters, no conflicts (2 of 4 stars). 2 submissions from 2 submitters: Uncertain significance (2). Last evaluated 2025-09-28.

Conditions:
Hereditary cancer-predisposing syndrome. Also called: Neoplastic Syndromes, Hereditary; Hereditary Cancer Syndrome; Hereditary neoplastic syndrome; Tumor predisposition. Identifiers: Orphanet 140162, MedGen C0027672, MeSH D009386, MONDO:0015356.
Familial cancer of breast. Also called: BREAST CANCER, FAMILIAL; hereditary breast carcinoma; Hereditary breast cancer. Identifiers: Orphanet 227535, MedGen C0346153, MONDO:0016419, OMIM 114480. Disease mechanism: loss of function.

Submissions (2):

Ambry Genetics
Classification: Uncertain significance for Hereditary cancer-predisposing syndrome. Last evaluated: 2025-09-28. Review status: criteria provided, single submitter. Criteria: Ambry Variant Classification Scheme 2023. Collection method: clinical testing. Allele origin: germline.
Comment: The p.S403T variant (also known as c.1208G>C), located in coding exon 4 of the BARD1 gene, results from a G to C substitution at nucleotide position 1208. The serine at codon 403 is replaced by threonine, an amino acid with similar properties. This amino acid position is poorly conserved in available vertebrate species. In addition, this alteration is predicted to be tolerated by in silico analysis. Since supporting evidence is limited at this time, the clinical significance of this alteration remains unclear.

Labcorp Genetics (formerly Invitae), Labcorp
Classification: Uncertain significance for Familial cancer of breast. Last evaluated: 2025-07-02. Review status: criteria provided, single submitter. Criteria: Invitae Variant Classification Sherloc (09022015). Collection method: clinical testing. Allele origin: germline.
Comment: This sequence change replaces serine, which is neutral and polar, with threonine, which is neutral and polar, at codon 403 of the BARD1 protein (p.Ser403Thr). This variant is not present in population databases (gnomAD no frequency). This variant has not been reported in the literature in individuals affected with BARD1-related conditions. ClinVar contains an entry for this variant (Variation ID: 479168). An algorithm developed to predict the effect of missense changes on protein structure and function outputs the following: PolyPhen-2: "Benign". The threonine amino acid residue is found in multiple mammalian species, which suggests that this missense change does not adversely affect protein function. In summary, the available evidence is currently insufficient to determine the role of this variant in disease. Therefore, it has been classified as a Variant of Uncertain Significance.

NM_000465.4(BARD1):c.1208G>C (p.Ser403Thr)

Gene: BARD1 (BRCA1 associated RING domain 1; minus strand). Cytogenetic location: 2q35.
Variant type: single nucleotide variant.
Coding change: c.1208G>C on transcript NM_000465.4 (MANE Select); coding-DNA position 1208, G replaced by C.
Protein change: p.Ser403Thr; replaces serine 403 with threonine.
Molecular consequence: missense variant. On other transcripts: non-coding transcript variant (2), intron variant (3).
Genome position (GRCh38, 1-based): chr2:214,780,666, C>G on the plus strand (G>C on the coding strand, the complement: BARD1 is on the minus strand). VCF-style: chr2-214780666-C-G. GRCh37 (hg19) VCF-style: chr2-215645390-C-G.
Other names: c.1151G>C, p.Ser384Thr (NM_001282543.2); c.159-28111G>C (NM_001282548.2); c.215+16395G>C (NM_001282545.2); c.364+11631G>C (NM_001282549.2); short protein forms S403T, S384T.
Identifiers: ClinVar variation 479168 (VCV000479168.17), dbSNP rs1553622181, ClinGen allele CA350453725.